The following is an entry in ClinVar:

ClinVar aggregate classification (germline): Uncertain significance. Review status: criteria provided, multiple submitters, no conflicts (2 of 4 stars). 2 submissions from 2 submitters: Uncertain significance (2). Last evaluated 2025-01-13.

Conditions:
Inborn genetic diseases. Identifiers: MedGen C0950123, MeSH D030342.

Allele frequency attached by ClinVar (database versions not stated): TOPMed below 0.00001; gnomAD exomes 0.00001.
gnomAD v4.1: 4 of 1,612,610 alleles (0.00025%); highest among the groups gnomAD compares: Non-Finnish European, 0.00034%; no homozygotes.

Submissions (2):

Labcorp Genetics (formerly Invitae), Labcorp
Classification: Uncertain significance. Last evaluated: 2025-01-13. Review status: criteria provided, single submitter. Criteria: Invitae Variant Classification Sherloc (09022015). Collection method: clinical testing. Allele origin: germline.
Comment: This sequence change replaces valine, which is neutral and non-polar, with methionine, which is neutral and non-polar, at codon 1559 of the CNOT1 protein (p.Val1559Met). This variant is not present in population databases (gnomAD no frequency). This variant has not been reported in the literature in individuals affected with CNOT1-related conditions. ClinVar contains an entry for this variant (Variation ID: 3146585). An algorithm developed to predict the effect of missense changes on protein structure and function (PolyPhen-2) suggests that this variant is likely to be disruptive. In summary, the available evidence is currently insufficient to determine the role of this variant in disease. Therefore, it has been classified as a Variant of Uncertain Significance.

Ambry Genetics
Classification: Uncertain significance for Inborn genetic diseases. Last evaluated: 2023-12-28. Review status: criteria provided, single submitter. Criteria: Ambry Variant Classification Scheme 2023. Collection method: clinical testing. Allele origin: germline.

NM_016284.5(CNOT1):c.4690G>A (p.Val1564Met)

Gene: CNOT1 (CCR4-NOT transcription complex subunit 1; minus strand). Cytogenetic location: 16q21.
Variant type: single nucleotide variant.
Coding change: c.4690G>A on transcript NM_016284.5 (MANE Select); coding-DNA position 4690, G replaced by A.
Protein change: p.Val1564Met; replaces valine 1564 with methionine.
Molecular consequence: missense variant. On other transcripts: non-coding transcript variant (1).
Genome position (GRCh38, 1-based): chr16:58,541,611, C>T on the plus strand (G>A on the coding strand, the complement: CNOT1 is on the minus strand). VCF-style: chr16-58541611-C-T. GRCh37 (hg19) VCF-style: chr16-58575515-C-T.
Other names: c.4675G>A, p.Val1559Met (NM_001265612.2); short protein forms V1564M, V1559M.
Identifiers: ClinVar variation 3146585 (VCV003146585.3), dbSNP rs2040097040, ClinGen allele CA396168246.